The following is an entry in ClinVar:

ClinVar aggregate classification (germline): Conflicting classifications of pathogenicity. Review status: criteria provided, conflicting classifications (1 of 4 stars). 3 submissions from 3 submitters: Uncertain significance (1); Likely benign (2). Last evaluated 2024-09-13.

Conditions:
Autosomal dominant nonsyndromic hearing loss 20. Identifiers: Orphanet 90635, MedGen C1858172, MONDO:0011480, OMIM 604717.
Baraitser-winter syndrome 2. Identifiers: Orphanet 2995, MedGen C3281235, MONDO:0013812, OMIM 614583.

Allele frequency attached by ClinVar (database versions not stated): gnomAD 0.00002; TOPMed 0.00002; gnomAD exomes 0.00003; ExAC 0.00005.

Submissions (3):

Blueprint Genetics
Classification: Likely benign. Last evaluated: 2024-09-13. Review status: criteria provided, single submitter. Criteria: ACMG Guidelines, 2015. Collection method: clinical testing. Allele origin: germline.

Labcorp Genetics (formerly Invitae), Labcorp
Classification: Likely benign for Baraitser-winter syndrome 2; Autosomal dominant nonsyndromic hearing loss 20. Last evaluated: 2024-08-31. Review status: criteria provided, single submitter. Criteria: Invitae Variant Classification Sherloc (09022015). Collection method: clinical testing. Allele origin: germline.

Center for Pediatric Genomic Medicine, Children's Mercy Hospital and Clinics
Classification: Uncertain significance. Last evaluated: 2016-11-10. Review status: criteria provided, single submitter. Criteria: ACMG Guidelines, 2015. Collection method: clinical testing. Allele origin: germline.
ClinVar note: Converted during submission from Uncertain Significance to Uncertain significance.

NM_001614.5(ACTG1):c.124-16G>A

Gene: ACTG1 (actin gamma 1; minus strand). Cytogenetic location: 17q25.3.
Variant type: single nucleotide variant.
Coding change: c.124-16G>A on transcript NM_001614.5 (MANE Select); 16 bases into the intron before coding-DNA position 124, G replaced by A.
Molecular consequence: intron variant.
Genome position (GRCh38, 1-based): chr17:81,512,158, C>T on the plus strand (G>A on the coding strand, the complement: ACTG1 is on the minus strand). VCF-style: chr17-81512158-C-T. GRCh37 (hg19) VCF-style: chr17-79479184-C-T.
Other names: c.124-16G>A (NM_001199954.3).
Identifiers: ClinVar variation 377346 (VCV000377346.11), dbSNP rs782370155, ClinGen allele CA8836352.